The following is an entry in ClinVar:

ClinVar aggregate classification (germline): Pathogenic (1 of 4 stars; one submission).

Conditions:
Neuromuscular disease caused by qualitative or quantitative defects of dystrophin. Also called: Qualitative or quantitative defects of dystrophin. Identifiers: Orphanet 207085, MedGen C5679787, MONDO:0016147.

Submission:

Women's Health and Genetics/Laboratory Corporation of America, LabCorp
Classification: Pathogenic for Neuromuscular disease caused by qualitative or quantitative defects of dystrophin. Last evaluated: 2023-02-23. Review status: criteria provided, single submitter. Criteria: LabCorp Variant Classification Summary - May 2015. Collection method: clinical testing. Allele origin: germline.
Comment: Variant summary: The variant identified by MLPA or other technology involves the deletion of exons 46-47 in the DMD gene. A presumed nomenclature of c.(6614+1_6615-1)_(6912+1_6913-1)del has been designated for the purposes of this classification. Although exact breakpoints of this deletion are not known, it is expected to result in a frameshift in the DMD gene, a known mechanism of disease. The variant was absent in 16115 control chromosomes in the gnomAD database (structural variants dataset). c.(6614+1_6615-1)_(6912+1_6913-1)del has been reported in the literature in several individuals affected with Duchenne Muscular Dystrophy (e.g. Onegut_2000, Carsana_2005, del Gaudio_2008, Nallamilli_2021). These data indicate that the variant is very likely to be associated with disease. To our knowledge, no experimental evidence demonstrating an impact on protein function has been reported. Three submitters have provided clinical-significance assessments for this (or similar) variants to ClinVar after 2014, and classified the variant as pathogenic. Based on the evidence outlined above, the variant was classified as pathogenic.

Literature cited by the submitters: PubMed 22090376; PubMed 18752307; PubMed 33644936; PubMed 15845029; PubMed 11388892.

NC_000023.10:g.(31893491_31947712)_(31950345_31986455)del

Gene: DMD (dystrophin; minus strand). Cytogenetic location: Xp21.1.
Variant type: Deletion.
Identifiers: ClinVar variation 2445948 (VCV002445948.1).